The following is an entry in ClinVar:

ClinVar aggregate classification (germline): Benign/Likely benign. Review status: criteria provided, multiple submitters, no conflicts (2 of 4 stars). 3 submissions from 3 submitters: Benign (1); Likely benign (2). Last evaluated 2026-08-19.

Conditions:
DICER1-related tumor predisposition. Also called: DICER1-related pleuropulmonary blastoma cancer predisposition syndrome; DICER1 syndrome. Identifiers: Orphanet 284343, MedGen C3839822, MONDO:0100216.
Hereditary cancer-predisposing syndrome. Also called: Hereditary Cancer Syndrome; Hereditary neoplastic syndrome; Neoplastic Syndromes, Hereditary; Tumor predisposition. Identifiers: Orphanet 140162, MedGen C0027672, MeSH D009386, MONDO:0015356.

Allele frequency attached by ClinVar (database versions not stated): gnomAD exomes below 0.00001; gnomAD 0.00001.
gnomAD v4.1: 3 of 1,613,980 alleles (0.00019%); highest among the groups gnomAD compares: African/African-American, 0.0013%; no homozygotes.

Submissions (3):

Myriad Genetics, Inc.
Classification: Benign for DICER1-related tumor predisposition. Last evaluated: 2026-08-19. Review status: criteria provided, single submitter. Criteria: Myriad Autosomal Dominant, Autosomal Recessive and X-Linked Classification Criteria (2023). Collection method: clinical testing. Allele origin: unknown.
Comment: This variant is considered benign. This variant is a silent/synonymous amino acid change and it is not expected to impact splicing.

Labcorp Genetics (formerly Invitae), Labcorp
Classification: Likely benign for DICER1-related tumor predisposition. Last evaluated: 2023-07-26. Review status: criteria provided, single submitter. Criteria: Invitae Variant Classification Sherloc (09022015). Collection method: clinical testing. Allele origin: germline.

Ambry Genetics
Classification: Likely benign for Hereditary cancer-predisposing syndrome. Last evaluated: 2022-02-12. Review status: criteria provided, single submitter. Criteria: Ambry Variant Classification Scheme 2023. Collection method: clinical testing. Allele origin: germline.

NM_177438.3(DICER1):c.1083G>A (p.Glu361=)

Gene: DICER1 (dicer 1, ribonuclease III; minus strand). Cytogenetic location: 14q32.13.
Variant type: single nucleotide variant.
Coding change: c.1083G>A on transcript NM_177438.3 (MANE Select); coding-DNA position 1083, G replaced by A.
Protein change: p.Glu361=; no amino-acid change (glutamic acid 361 retained).
Molecular consequence: synonymous variant.
Genome position (GRCh38, 1-based): chr14:95,124,489, C>T on the plus strand (G>A on the coding strand, the complement: DICER1 is on the minus strand). VCF-style: chr14-95124489-C-T. GRCh37 (hg19) VCF-style: chr14-95590826-C-T.
Other names: c.1083G>A, p.Glu361= (NM_001195573.1, NM_001271282.3, NM_001291628.2 and 1 more transcripts).
Identifiers: ClinVar variation 1127675 (VCV001127675.13), dbSNP rs1893226253, ClinGen allele CA487845560.
Genomic context (GRCh38, chr14:95,124,489, plus strand): 5'-GAGCAGTTTGATTACTTTAGGAGTTACAAATTTCAGGTCAAGTGAGGCAGGTGAGAAGTG[C>T]TCTTCACATAGTGCATGTATTTTCCTTAGGAAAGTGTCTGTAAACAATAAAAATTTCCTG-3'
Protein context (NP_803187.1, residues 351-371): FLRKIHALCE[Glu361=]HFSPASLDLK